The following is an entry in ClinVar:

ClinVar aggregate classification (germline): Pathogenic (1 of 4 stars; one submission).

Submission:

GeneDx
Classification: Pathogenic. Last evaluated: 2016-07-14. Review status: criteria provided, single submitter. Criteria: GeneDx Variant Classification (06012015). Collection method: clinical testing. Allele origin: germline. Affected: yes.
Comment: The c.3565delC pathogenic variant in the TSC2 gene causes a frameshift starting with codon Leucine 1189, changes this amino acid to a Cysteine residue and creates a premature Stop codon at position 2 of the new reading frame, denoted p.L1189CfsX2. This variant is predicted to cause loss of normal protein function either through protein truncation or nonsense-mediated mRNA decay. It was not observed in approximately 6,500 individuals of European and African American ancestry in the NHLBI Exome Sequencing Project, indicating it is not a common benign variant in these populations.

NM_000548.5(TSC2):c.3565del (p.Leu1189fs)

Gene: TSC2 (TSC complex subunit 2; plus strand). Cytogenetic location: 16p13.3.
Variant type: Deletion.
Coding change: c.3565del on transcript NM_000548.5 (MANE Select); coding-DNA position 3565, one base deleted (C; older notation c.3565delC).
Protein change: p.Leu1189fs; shifts the reading frame from leucine 1189.
Molecular consequence: frameshift variant.
Genome position (GRCh38, 1-based): chr16:2,080,332, C deleted; the last of 4 consecutive C bases (chr16:2,080,329-2,080,332); deleting any one gives the same sequence. VCF-style (leftmost placement, unchanged base first): chr16-2080328-GC-G. GRCh37 (hg19) VCF-style: chr16-2130329-GC-G.
Other names: c.3433del, p.Leu1145fs (NM_001077183.3, NM_001370404.1); c.3565del, p.Leu1189fs (NM_001114382.3); c.3325del, p.Leu1109fs (NM_001318827.2); c.3289del, p.Leu1097fs (NM_001318829.2); c.2833del, p.Leu945fs (NM_001318831.2); c.3466del, p.Leu1156fs (NM_001318832.2); c.3436del, p.Leu1146fs (NM_001363528.2, NM_001370405.1, NM_021055.3); short protein forms L1097fs, L1109fs, L1146fs, L1145fs, L1156fs, L1189fs, L945fs.
Identifiers: ClinVar variation 280707 (VCV000280707.2), dbSNP rs137854121, ClinGen allele CA10603362.